The following is an entry in ClinVar:

ClinVar aggregate classification (germline): Uncertain significance. Review status: criteria provided, single submitter (1 of 4 stars). 2 submissions from 2 submitters: Uncertain significance (1). 1 of the submissions does not count toward it. Last evaluated 2025-07-01.

Conditions:
Prostate cancer. Also called: Malignant tumor of prostate. Identifiers: Orphanet 1331, MedGen C0376358, MONDO:0008315, HP:0012125.

Allele frequency attached by ClinVar (database versions not stated): gnomAD exomes 0.00017 and 0.00014; TOPMed 0.00005; ESP Exome Variant Server 0.00008; ExAC 0.00012; gnomAD 0.00009.
gnomAD v4.1: 257 of 1,611,900 alleles (0.016%); highest among the groups gnomAD compares: Non-Finnish European, 0.019%; no homozygotes.

Submissions (2):

Ambry Genetics
Classification: Uncertain significance. Last evaluated: 2025-07-01. Review status: criteria provided, single submitter. Criteria: Ambry Variant Classification Scheme 2023. Collection method: clinical testing. Allele origin: germline.

Science for Life laboratory,  Karolinska Institutet
Classification: Uncertain significance for Malignant tumor of prostate. Review status: no assertion criteria provided. Collection method: not provided. Allele origin: somatic. Not counted in ClinVar's aggregate classification.
Comment: TumorID:SWE-12A
ClinVar note: Converted during submission from Unknown to Uncertain significance.

NM_002847.5(PTPRN2):c.2339T>C (p.Leu780Pro)

Gene: PTPRN2 (protein tyrosine phosphatase receptor type N2; minus strand). Cytogenetic location: 7q36.3.
Variant type: single nucleotide variant.
Coding change: c.2339T>C on transcript NM_002847.5 (MANE Select); coding-DNA position 2339, T replaced by C.
Protein change: p.Leu780Pro; replaces leucine 780 with proline.
Molecular consequence: missense variant.
Genome position (GRCh38, 1-based): chr7:157,621,367, A>G on the plus strand (T>C on the coding strand, the complement: PTPRN2 is on the minus strand). VCF-style: chr7-157621367-A-G. GRCh37 (hg19) VCF-style: chr7-157414059-A-G.
Other names: c.2225T>C, p.Leu742Pro (NM_001308267.2); c.2408T>C, p.Leu803Pro (NM_001308268.2); c.2288T>C, p.Leu763Pro (NM_130842.4); c.2252T>C, p.Leu751Pro (NM_130843.4); short protein forms L780P, L763P, L751P, L742P, L803P.
Identifiers: ClinVar variation 161601 (VCV000161601.3), dbSNP rs193920806, ClinGen allele CA174427.